The following is an entry in ClinVar:

ClinVar aggregate classification (germline): Benign. Review status: criteria provided, multiple submitters, no conflicts (2 of 4 stars). 3 submissions from 2 submitters: Benign (3). Last evaluated 2018-01-13.

Conditions:
Cone-rod dystrophy 11 (CORD11). Identifiers: Orphanet 1872, MedGen C1835865, MONDO:0012483, OMIM 610381.
Age related macular degeneration 6. Identifiers: MedGen C3151060, MONDO:0013406, OMIM 613757.

Allele frequency attached by ClinVar (database versions not stated): gnomAD exomes 0.77871; gnomAD 0.78969 and 0.79092; TOPMed 0.79774; 1000 Genomes Project 30x 0.81371; 1000 Genomes Project 0.81689.
gnomAD v4.1: 121,148 of 153,164 alleles (79%); highest among the groups gnomAD compares: African/African-American, 84%; 48,018 homozygotes.

Submissions (3):

Illumina Laboratory Services, Illumina
Classification: Benign for Cone-rod dystrophy 11. Last evaluated: 2018-01-13. Review status: criteria provided, single submitter. Criteria: ICSL Variant Classification Criteria 13 December 2019. Collection method: clinical testing. Allele origin: germline.
Comment: This variant was observed in the ICSL laboratory as part of a predisposition screen in an ostensibly healthy population. It had not been previously curated by ICSL or reported in the Human Gene Mutation Database (HGMD: prior to June 1st, 2018), and was therefore a candidate for classification through an automated scoring system. Utilizing variant allele frequency, disease prevalence and penetrance estimates, and inheritance mode, an automated score was calculated to assess if this variant is too frequent to cause the disease. Based on the score and internal cut-off values, a variant classified as benign is not then subjected to further curation. The score for this variant resulted in a classification of benign for this disease.

Illumina Laboratory Services, Illumina
Classification: Benign for Age related macular degeneration 6. Last evaluated: 2018-01-13. Review status: criteria provided, single submitter. Criteria: ICSL Variant Classification Criteria 13 December 2019. Collection method: clinical testing. Allele origin: germline.
Comment: the same text as in the submission from Illumina Laboratory Services, Illumina above.

Breakthrough Genomics
Classification: Benign. Review status: criteria provided, single submitter. Criteria: ACMG Guidelines, 2015. Collection method: not provided. Allele origin: germline. Inheritance: Autosomal recessive inheritance. Affected: yes.

NM_001319074.4(RAX2):c.*866C>T

Gene: RAX2 (retina and anterior neural fold homeobox 2; minus strand). Cytogenetic location: 19p13.3.
Variant type: single nucleotide variant.
Coding change: c.*866C>T on transcript NM_001319074.4 (MANE Select); 866 bases downstream of the stop codon, C replaced by T.
Molecular consequence: 3 prime UTR variant.
Genome position (GRCh38, 1-based): chr19:3,769,755, G>A on the plus strand (C>T on the coding strand, the complement: RAX2 is on the minus strand). VCF-style: chr19-3769755-G-A. GRCh37 (hg19) VCF-style: chr19-3769753-G-A.
Other names: c.*866C>T (NM_032753.4).
Identifiers: ClinVar variation 328952 (VCV000328952.6), dbSNP rs917545, ClinGen allele CA10648607.